The following is an entry in ClinVar:

NM_014874.4(MFN2):c.1102A>G (p.Ile368Val)

Gene: MFN2 (mitofusin 2; plus strand). Cytogenetic location: 1p36.22.
Variant type: single nucleotide variant.
Coding change: c.1102A>G on transcript NM_014874.4 (MANE Select); coding-DNA position 1102, A replaced by G.
Protein change: p.Ile368Val; replaces isoleucine 368 with valine.
Molecular consequence: missense variant.
Genome position (GRCh38, 1-based): chr1:12,002,045, A>G. VCF-style: chr1-12002045-A-G. GRCh37 (hg19) VCF-style: chr1-12062102-A-G.
Other names: c.1102A>G, p.Ile368Val (NM_001127660.2); short protein forms I368V.
Identifiers: ClinVar variation 2883385 (VCV002883385.3), dbSNP rs2523060571, ClinGen allele CA338442989.

ClinVar aggregate classification (germline): Uncertain significance (1 of 4 stars; one submission).

Conditions:
Charcot-Marie-Tooth disease type 2. Also called: Charcot-Marie-Tooth type 2. Identifiers: Orphanet 64746, MedGen C0270914, MONDO:0018993.

Allele frequency attached by ClinVar (database versions not stated): gnomAD exomes below 0.00001.
gnomAD v4.1: 2 of 1,614,224 alleles (0.00012%); highest among the groups gnomAD compares: Non-Finnish European, 0.00017%; no homozygotes.

Submission:

Labcorp Genetics (formerly Invitae), Labcorp
Classification: Uncertain significance for Charcot-Marie-Tooth disease type 2. Last evaluated: 2023-07-20. Review status: criteria provided, single submitter. Criteria: Invitae Variant Classification Sherloc (09022015). Collection method: clinical testing. Allele origin: germline.
Comment: This sequence change replaces isoleucine, which is neutral and non-polar, with valine, which is neutral and non-polar, at codon 368 of the MFN2 protein (p.Ile368Val). This variant is not present in population databases (gnomAD no frequency). This variant has not been reported in the literature in individuals affected with MFN2-related conditions. Advanced modeling of protein sequence and biophysical properties (such as structural, functional, and spatial information, amino acid conservation, physicochemical variation, residue mobility, and thermodynamic stability) performed at Invitae indicates that this missense variant is expected to disrupt MFN2 protein function. In summary, the available evidence is currently insufficient to determine the role of this variant in disease. Therefore, it has been classified as a Variant of Uncertain Significance.